The following is an entry in ClinVar:

NM_000548.5(TSC2):c.1093A>G (p.Ile365Val)

Gene: TSC2 (TSC complex subunit 2; plus strand). Cytogenetic location: 16p13.3.
Variant type: single nucleotide variant.
Coding change: c.1093A>G on transcript NM_000548.5 (MANE Select); coding-DNA position 1093, A replaced by G.
Protein change: p.Ile365Val; replaces isoleucine 365 with valine.
Molecular consequence: missense variant.
Genome position (GRCh38, 1-based): chr16:2,060,787, A>G. VCF-style: chr16-2060787-A-G. GRCh37 (hg19) VCF-style: chr16-2110788-A-G.
Other names: c.1093A>G, p.Ile365Val (NM_001077183.3, NM_001114382.3, NM_001363528.2 and 3 more transcripts); c.982A>G, p.Ile328Val (NM_001318827.2); c.946A>G, p.Ile316Val (NM_001318829.2); c.493A>G, p.Ile165Val (NM_001318831.2); c.1126A>G, p.Ile376Val (NM_001318832.2); short protein forms I365V, I165V, I316V, I376V, I328V.
Identifiers: ClinVar variation 429535 (VCV000429535.20), dbSNP rs370403197, ClinGen allele CA028137.
Genomic context (GRCh38, chr16:2,060,787, plus strand): 5'-CTCATCAAGAAGTATAGGAAGGAGCTCCAGGTGGTGGCGTGGGACATTCTGCTGAACATC[A>G]TCGAACGGCTCCTTCAGCAGCTCCAGGTGGGGTGGGGGCAGGAGCTCCGGGGAGCACCGG-3'
Protein context (NP_000539.2, residues 355-375): VVAWDILLNI[Ile365Val]ERLLQQLQTL

ClinVar aggregate classification (germline): Conflicting classifications of pathogenicity. Review status: criteria provided, conflicting classifications (1 of 4 stars). 5 submissions from 5 submitters: Uncertain significance (2); Benign (1); Likely benign (2). Last evaluated 2025-07-09.

Conditions:
Tuberous sclerosis syndrome (TSC). Also called: Tuberous Sclerosis Complex; Tuberous sclerosis. Identifiers: Orphanet 805, MedGen C0041341, MONDO:0001734.
Hereditary cancer-predisposing syndrome. Also called: Hereditary neoplastic syndrome; Tumor predisposition; Neoplastic Syndromes, Hereditary; Hereditary Cancer Syndrome. Identifiers: Orphanet 140162, MedGen C0027672, MeSH D009386, MONDO:0015356.
Tuberous sclerosis 2 (TSC2). Identifiers: Orphanet 805, MedGen C1860707, MONDO:0013199, OMIM 613254.

Allele frequency attached by ClinVar (database versions not stated): ExAC 0.00002; gnomAD 0.00002; gnomAD exomes 0.00002; TOPMed 0.00002; ESP Exome Variant Server 0.00008.
gnomAD v4.1: 9 of 1,613,616 alleles (0.00056%); highest among the groups gnomAD compares: African/African-American, 0.008%; no homozygotes.

Submissions (5):

Labcorp Genetics (formerly Invitae), Labcorp
Classification: Benign for Tuberous sclerosis 2. Last evaluated: 2025-07-09. Review status: criteria provided, single submitter. Criteria: Invitae Variant Classification Sherloc (09022015). Collection method: clinical testing. Allele origin: germline.

Ambry Genetics
Classification: Uncertain significance for Hereditary cancer-predisposing syndrome. Last evaluated: 2025-02-14. Review status: criteria provided, single submitter. Criteria: Ambry Variant Classification Scheme 2023. Collection method: clinical testing. Allele origin: germline.
Comment: The p.I365V variant (also known as c.1093A>G), located in coding exon 10 of the TSC2 gene, results from an A to G substitution at nucleotide position 1093. The isoleucine at codon 365 is replaced by valine, an amino acid with highly similar properties. This amino acid position is not well conserved in available vertebrate species. In addition, this alteration is predicted to be tolerated by in silico analysis. Based on the available evidence, the clinical significance of this variant remains unclear.

All of Us Research Program, National Institutes of Health
Classification: Uncertain significance for Tuberous sclerosis syndrome. Last evaluated: 2023-04-03. Review status: criteria provided, single submitter. Criteria: ACMG Guidelines, 2015. Collection method: clinical testing. Allele origin: germline. Inheritance: Autosomal dominant inheritance. Observed: 1 variant allele, 1 heterozygote.
Comment: This missense variant replaces isoleucine with valine at codon 365 of the TSC2 protein. Computational prediction suggests that this variant may not impact protein structure and function (internally defined REVEL score threshold <= 0.5, PMID: 27666373). To our knowledge, functional studies have not been reported for this variant. This variant has not been reported in individuals affected with tuberous sclerosis complex in the literature. This variant has been identified in 5/282250 chromosomes in the general population by the Genome Aggregation Database (gnomAD). The available evidence is insufficient to determine the role of this variant in disease conclusively. Therefore, this variant is classified as a Variant of Uncertain Significance.

This study involves interpretation of variants in research participants for the purpose of population health screening. Participant phenotype was not available at the time of variant classification. Additional details can be found in publication PMID: 35346344, PMCID: PMC8962531

Genome-Nilou Lab
Classification: Likely benign for Tuberous sclerosis 2. Last evaluated: 2021-11-07. Review status: criteria provided, single submitter. Criteria: ACMG Guidelines, 2015. Collection method: clinical testing. Allele origin: germline. Affected: no.

GeneDx
Classification: Likely benign. Last evaluated: 2019-05-03. Review status: criteria provided, single submitter. Criteria: GeneDx Variant Classification Process June 2021. Collection method: clinical testing. Allele origin: germline. Affected: yes.
Comment: In silico analysis, which includes protein predictors and evolutionary conservation, supports that this variant does not alter protein structure/function; Has not been previously published as pathogenic or benign to our knowledge